The following is an entry in ClinVar:

ClinVar aggregate classification (germline): Uncertain significance. Review status: criteria provided, multiple submitters, no conflicts (2 of 4 stars). 2 submissions from 2 submitters: Uncertain significance (2). Last evaluated 2024-12-19.

Conditions:
Autosomal recessive limb-girdle muscular dystrophy type 2L (LGMDR12). Also called: MUSCULAR DYSTROPHY, LIMB-GIRDLE, AUTOSOMAL RECESSIVE 12; Limb-girdle muscular dystrophy, type 2L; Limb-Girdle Muscular Dystrophy R12 Anoctamin-5-Related (LGMD-R12). Identifiers: Orphanet 206549, MedGen C1969785, MONDO:0012652, OMIM 611307.
Gnathodiaphyseal dysplasia (GDD). Also called: GNATHODIAPHYSEAL SCLEROSIS; OSTEOGENESIS IMPERFECTA WITH UNUSUAL SKELETAL LESIONS. Identifiers: Orphanet 53697, MedGen C1833736, MONDO:0008151, OMIM 166260.

Allele frequency attached by ClinVar (database versions not stated): gnomAD 0.00001; gnomAD exomes 0.00001; TOPMed 0.00001; ExAC 0.00002.
gnomAD v4.1: 28 of 1,611,512 alleles (0.0017%); highest among the groups gnomAD compares: Non-Finnish European, 0.0018%; no homozygotes.

Submissions (2):

Labcorp Genetics (formerly Invitae), Labcorp
Classification: Uncertain significance for Autosomal recessive limb-girdle muscular dystrophy type 2L; Gnathodiaphyseal dysplasia. Last evaluated: 2024-12-19. Review status: criteria provided, single submitter. Criteria: Invitae Variant Classification Sherloc (09022015). Collection method: clinical testing. Allele origin: germline.
Comment: This sequence change replaces phenylalanine, which is neutral and non-polar, with leucine, which is neutral and non-polar, at codon 820 of the ANO5 protein (p.Phe820Leu). The frequency data for this variant in the population databases is considered unreliable, as metrics indicate poor data quality at this position in the gnomAD database. This variant has not been reported in the literature in individuals affected with ANO5-related conditions. ClinVar contains an entry for this variant (Variation ID: 595617). Invitae Evidence Modeling of protein sequence and biophysical properties (such as structural, functional, and spatial information, amino acid conservation, physicochemical variation, residue mobility, and thermodynamic stability) indicates that this missense variant is not expected to disrupt ANO5 protein function with a negative predictive value of 95%. In summary, the available evidence is currently insufficient to determine the role of this variant in disease. Therefore, it has been classified as a Variant of Uncertain Significance.

Eurofins Ntd Llc (ga)
Classification: Uncertain significance. Last evaluated: 2018-01-04. Review status: criteria provided, single submitter. Criteria: EGL Classification Definitions 2015. Collection method: clinical testing. Allele origin: germline. Observed: 1 variant allele, 1 heterozygote.

NM_213599.3(ANO5):c.2458T>C (p.Phe820Leu)

Gene: ANO5 (anoctamin 5; plus strand). Cytogenetic location: 11p14.3.
Variant type: single nucleotide variant.
Coding change: c.2458T>C on transcript NM_213599.3 (MANE Select); coding-DNA position 2458, T replaced by C.
Protein change: p.Phe820Leu; replaces phenylalanine 820 with leucine.
Molecular consequence: missense variant.
Genome position (GRCh38, 1-based): chr11:22,276,137, T>C. VCF-style: chr11-22276137-T-C. GRCh37 (hg19) VCF-style: chr11-22297683-T-C.
Other names: c.2455T>C, p.Phe819Leu (NM_001142649.2); short protein forms F820L, F819L.
Identifiers: ClinVar variation 595617 (VCV000595617.13), dbSNP rs769775434, ClinGen allele CA5923590.